The following is an entry in ClinVar:

NM_001032283.3(TMPO):c.274G>T (p.Gly92Cys)

Genes: TMPO (thymopoietin; plus strand), TMPO-AS1 (TMPO antisense RNA 1; minus strand), LOC130008520 (ATAC-STARR-seq lymphoblastoid silent region 4752; plus strand). Cytogenetic location: 12q23.1.
Variant type: single nucleotide variant.
Coding change: c.274G>T on transcript NM_001032283.3 (MANE Select); coding-DNA position 274, G replaced by T.
Protein change: p.Gly92Cys; replaces glycine 92 with cysteine.
Molecular consequence: missense variant. On other transcripts: non-coding transcript variant (1).
Genome position (GRCh38, 1-based): chr12:98,516,141, G>T. VCF-style: chr12-98516141-G-T. GRCh37 (hg19) VCF-style: chr12-98909919-G-T.
Other names: c.274G>T, p.Gly92Cys (NM_001032284.3, NM_001307975.2, NM_003276.2); short protein forms G92C.
Identifiers: ClinVar variation 4738895 (VCV004738895.1).

ClinVar aggregate classification (germline): Uncertain significance (1 of 4 stars; one submission).

Conditions:
Loeys-Dietz syndrome 2 (LDS2). Also called: TGFBR2-Related Loeys-Dietz Syndrome; AORTIC ANEURYSM, FAMILIAL THORACIC 3; MARFAN SYNDROME, TYPE II; Marfan Syndrome type 2; Marfan like connective tissue disorder; MFS 2. Identifiers: Orphanet 284973, Orphanet 558, MedGen C2674574, MONDO:0012427, OMIM 610168.

Submission:

Labcorp Genetics (formerly Invitae), Labcorp
Classification: Uncertain significance for Loeys-Dietz syndrome 2. Last evaluated: 2025-02-18. Review status: criteria provided, single submitter. Criteria: Invitae Variant Classification Sherloc (09022015). Collection method: clinical testing. Allele origin: germline.
Comment: This sequence change replaces glycine, which is neutral and non-polar, with cysteine, which is neutral and slightly polar, at codon 92 of the TMPO protein (p.Gly92Cys). This variant is not present in population databases (gnomAD no frequency). This variant has not been reported in the literature in individuals affected with TMPO-related conditions. An algorithm developed to predict the effect of missense changes on protein structure and function (PolyPhen-2) suggests that this variant is likely to be disruptive. In summary, the available evidence is currently insufficient to determine the role of this variant in disease. Therefore, it has been classified as a Variant of Uncertain Significance.